The following is an entry in ClinVar:

NM_153252.5(BRWD3):c.3578G>A (p.Arg1193Gln)

Gene: BRWD3 (bromodomain and WD repeat domain containing 3; minus strand). Cytogenetic location: Xq21.1.
Variant type: single nucleotide variant.
Coding change: c.3578G>A on transcript NM_153252.5 (MANE Select); coding-DNA position 3578, G replaced by A.
Protein change: p.Arg1193Gln; replaces arginine 1193 with glutamine.
Molecular consequence: missense variant.
Genome position (GRCh38, 1-based): chrX:80,691,077, C>T on the plus strand (G>A on the coding strand, the complement: BRWD3 is on the minus strand). VCF-style: chrX-80691077-C-T. GRCh37 (hg19) VCF-style: chrX-79946576-C-T.
Other names: short protein forms R1193Q.
Identifiers: ClinVar variation 2373233 (VCV002373233.9), dbSNP rs754078647, ClinGen allele CA10461822.
Genomic context (GRCh38, chrX:80,691,077, plus strand): 5'-ATAAATTTTATAATAAGTGATTAAAAAAAAACAGACCTGTAAAAGCGATTTTCAAGTCTC[C>T]GCCTGATGGTATTGAGGTCAGTTGGATAAGCAACTACAGTACAATACAAGGGGTAGGCAC-3'
Protein context (NP_694984.5, residues 1183-1203): AYPTDLNTIR[Arg1193Gln]RLENRFYRRI

ClinVar aggregate classification (germline): Benign/Likely benign. Review status: criteria provided, multiple submitters, no conflicts (2 of 4 stars). 3 submissions from 3 submitters: Benign (1); Likely benign (2). Last evaluated 2026-01-01.

Conditions:
Inborn genetic diseases. Identifiers: MedGen C0950123, MeSH D030342.

Allele frequency attached by ClinVar (database versions not stated): gnomAD exomes 0.00002; ExAC 0.00003; gnomAD 0.00007; TOPMed 0.00008.
gnomAD v4.1: 35 of 1,206,367 alleles (0.0029%); highest among the groups gnomAD compares: Admixed American, 0.011%; no homozygotes.

Submissions (3):

CeGaT Center for Human Genetics Tuebingen
Classification: Likely benign. Last evaluated: 2026-01-01. Review status: criteria provided, single submitter. Criteria: CeGaT Center For Human Genetics Tuebingen Variant Classification Criteria Version 2. Collection method: clinical testing. Allele origin: germline. Affected: yes. Observed: 1 variant allele.
Comment: BRWD3: BP4, BS2

Labcorp Genetics (formerly Invitae), Labcorp
Classification: Benign. Last evaluated: 2025-11-17. Review status: criteria provided, single submitter. Criteria: Invitae Variant Classification Sherloc (09022015). Collection method: clinical testing. Allele origin: germline.

Ambry Genetics
Classification: Likely benign for Inborn genetic diseases. Last evaluated: 2022-08-31. Review status: criteria provided, single submitter. Criteria: Ambry Variant Classification Scheme 2023. Collection method: clinical testing. Allele origin: germline.